The following is an entry in ClinVar:

NM_001267727.2(ARSG):c.295C>T (p.Arg99Cys)

Gene: ARSG (arylsulfatase G; plus strand). Cytogenetic location: 17q24.2.
Variant type: single nucleotide variant.
Coding change: c.295C>T on transcript NM_001267727.2 (MANE Select); coding-DNA position 295, C replaced by T.
Protein change: p.Arg99Cys; replaces arginine 99 with cysteine.
Molecular consequence: missense variant.
Genome position (GRCh38, 1-based): chr17:68,343,680, C>T. VCF-style: chr17-68343680-C-T. GRCh37 (hg19) VCF-style: chr17-66339821-C-T.
Other names: c.295C>T, p.Arg99Cys (NM_001352899.2, NM_001352900.2, NM_001352901.2 and 9 more transcripts); short protein forms R99C.
Identifiers: ClinVar variation 1438516 (VCV001438516.6), dbSNP rs1179936871, ClinGen allele CA400738287.

ClinVar aggregate classification (germline): Uncertain significance. Review status: criteria provided, multiple submitters, no conflicts (2 of 4 stars). 2 submissions from 2 submitters: Uncertain significance (2). Last evaluated 2025-10-13.

Allele frequency attached by ClinVar (database versions not stated): gnomAD 0.00001; gnomAD exomes 0.00001; TOPMed 0.00002.
gnomAD v4.1: 11 of 1,614,052 alleles (0.00068%); highest among the groups gnomAD compares: East Asian, 0.0045%; no homozygotes.

Submissions (2):

Labcorp Genetics (formerly Invitae), Labcorp
Classification: Uncertain significance. Last evaluated: 2025-10-13. Review status: criteria provided, single submitter. Criteria: Invitae Variant Classification Sherloc (09022015). Collection method: clinical testing. Allele origin: germline.
Comment: This sequence change replaces arginine, which is basic and polar, with cysteine, which is neutral and slightly polar, at codon 99 of the ARSG protein (p.Arg99Cys). This variant is present in population databases (no rsID available, gnomAD 0.009%). This variant has not been reported in the literature in individuals affected with ARSG-related conditions. ClinVar contains an entry for this variant (Variation ID: 1438516). Invitae Evidence Modeling of protein sequence and biophysical properties (such as structural, functional, and spatial information, amino acid conservation, physicochemical variation, residue mobility, and thermodynamic stability) indicates that this missense variant is expected to disrupt ARSG protein function with a positive predictive value of 80%. This variant disrupts the p.Arg99 amino acid residue in ARSG. Other variant(s) that disrupt this residue have been determined to be pathogenic (PMID: 39199020). This suggests that this residue is clinically significant, and that variants that disrupt this residue are likely to be disease-causing. In summary, the available evidence is currently insufficient to determine the role of this variant in disease. Therefore, it has been classified as a Variant of Uncertain Significance.

Blueprint Genetics
Classification: Uncertain significance. Last evaluated: 2021-03-30. Review status: criteria provided, single submitter. Criteria: ACMG Guidelines, 2015. Collection method: clinical testing. Allele origin: germline.

Literature cited by the submitters: PubMed 39199020 (cited by Labcorp Genetics (formerly Invitae), Labcorp).